The following is an entry in ClinVar:

ClinVar aggregate classification (germline): Uncertain significance. Review status: criteria provided, single submitter (1 of 4 stars). 2 submissions from 2 submitters: Uncertain significance (1). 1 of the submissions does not count toward it. Last evaluated 2025-06-18.

Conditions:
KANK1-related disorder. Also called: KANK1-related condition.

Allele frequency attached by ClinVar (database versions not stated): ExAC 0.00007; ESP Exome Variant Server 0.00015; 1000 Genomes Project 0.00060; 1000 Genomes Project 30x 0.00062; gnomAD exomes 0.00002; gnomAD 0.00021; TOPMed 0.00029.
gnomAD v4.1: 60 of 1,614,210 alleles (0.0037%); highest among the groups gnomAD compares: African/African-American, 0.072%; no homozygotes.

Submissions (2):

Labcorp Genetics (formerly Invitae), Labcorp
Classification: Uncertain significance. Last evaluated: 2025-06-18. Review status: criteria provided, single submitter. Criteria: Invitae Variant Classification Sherloc (09022015). Collection method: clinical testing. Allele origin: germline.
Comment: This sequence change replaces glutamine, which is neutral and polar, with arginine, which is basic and polar, at codon 213 of the KANK1 protein (p.Gln213Arg). This variant is present in population databases (rs141710381, gnomAD 0.07%), and has an allele count higher than expected for a pathogenic variant. This variant has not been reported in the literature in individuals affected with KANK1-related conditions. ClinVar contains an entry for this variant (Variation ID: 2720840). Invitae Evidence Modeling of protein sequence and biophysical properties (such as structural, functional, and spatial information, amino acid conservation, physicochemical variation, residue mobility, and thermodynamic stability) has been performed for this missense variant. However, the output from this modeling did not meet the statistical confidence thresholds required to predict the impact of this variant on KANK1 protein function. In summary, the available evidence is currently insufficient to determine the role of this variant in disease. Therefore, it has been classified as a Variant of Uncertain Significance.

PreventionGenetics, part of Exact Sciences
Classification: Uncertain significance for KANK1-related condition. Last evaluated: 2024-02-07. Review status: no assertion criteria provided. Collection method: clinical testing. Allele origin: germline. Not counted in ClinVar's aggregate classification.
Comment: The KANK1 c.638A>G variant is predicted to result in the amino acid substitution p.Gln213Arg. To our knowledge, this variant has not been reported in the literature. This variant is reported in 0.080% of alleles in individuals of African descent in gnomAD. Although we suspect that this variant may be benign, at this time, the clinical significance of this variant is uncertain due to the absence of conclusive functional and genetic evidence.

NM_015158.5(KANK1):c.638A>G (p.Gln213Arg)

Gene: KANK1 (KN motif and ankyrin repeat domains 1; plus strand). Cytogenetic location: 9p24.3.
Variant type: single nucleotide variant.
Coding change: c.638A>G on transcript NM_015158.5 (MANE Select); coding-DNA position 638, A replaced by G.
Protein change: p.Gln213Arg; replaces glutamine 213 with arginine.
Molecular consequence: missense variant. On other transcripts: non-coding transcript variant (1).
Genome position (GRCh38, 1-based): chr9:711,404, A>G. VCF-style: chr9-711404-A-G. GRCh37 (hg19) VCF-style: chr9-711404-A-G.
Other names: c.638A>G (NM_015158.3); c.638A>G, p.Gln213Arg (NM_001256876.3, NM_001256877.3, NM_001354331.2 and 2 more transcripts); c.164A>G, p.Gln55Arg (NM_001354333.2, NM_001354335.2, NM_001354336.2 and 9 more transcripts); short protein forms Q213R, Q55R.
Identifiers: ClinVar variation 2720840 (VCV002720840.5), dbSNP rs141710381, ClinGen allele CA4960006.